The following is an entry in ClinVar:

ClinVar aggregate classification (germline): Uncertain significance (1 of 4 stars; one submission).

Conditions:
Mendelian susceptibility to mycobacterial diseases due to complete IL12B deficiency. Also called: IL12B DEFICIENCY; Immunodeficiency 29. Identifiers: Orphanet 319558, MedGen C4013948, MONDO:0013954, OMIM 614890.

gnomAD v4.1: 1 of 1,614,070 alleles (0.000062%); highest among the groups gnomAD compares: Admixed American, 0.0017%; no homozygotes.

Submission:

Labcorp Genetics (formerly Invitae), Labcorp
Classification: Uncertain significance for Mendelian susceptibility to mycobacterial diseases due to complete IL12B deficiency. Last evaluated: 2025-08-15. Review status: criteria provided, single submitter. Criteria: Invitae Variant Classification Sherloc (09022015). Collection method: clinical testing. Allele origin: germline.
Comment: This sequence change replaces aspartic acid, which is acidic and polar, with alanine, which is neutral and non-polar, at codon 51 of the IL12B protein (p.Asp51Ala). This variant is present in population databases (no rsID available, gnomAD 0.003%). This variant has not been reported in the literature in individuals affected with IL12B-related conditions. ClinVar contains an entry for this variant (Variation ID: 3614975). Invitae Evidence Modeling of protein sequence and biophysical properties (such as structural, functional, and spatial information, amino acid conservation, physicochemical variation, residue mobility, and thermodynamic stability) indicates that this missense variant is expected to disrupt IL12B protein function with a positive predictive value of 80%. In summary, the available evidence is currently insufficient to determine the role of this variant in disease. Therefore, it has been classified as a Variant of Uncertain Significance.

NM_002187.3(IL12B):c.152A>C (p.Asp51Ala)

Gene: IL12B (interleukin 12B; minus strand). Cytogenetic location: 5q33.3.
Variant type: single nucleotide variant.
Coding change: c.152A>C on transcript NM_002187.3 (MANE Select); coding-DNA position 152, A replaced by C.
Protein change: p.Asp51Ala; replaces aspartic acid 51 with alanine.
Molecular consequence: missense variant.
Genome position (GRCh38, 1-based): chr5:159,323,266, T>G on the plus strand (A>C on the coding strand, the complement: IL12B is on the minus strand). VCF-style: chr5-159323266-T-G. GRCh37 (hg19) VCF-style: chr5-158750274-T-G.
Other names: short protein forms D51A.
Identifiers: ClinVar variation 3614975 (VCV003614975.2).